The following is an entry in ClinVar:

ClinVar aggregate classification (germline): Likely benign. Review status: criteria provided, multiple submitters, no conflicts (2 of 4 stars). 2 submissions from 2 submitters: Likely benign (2). Last evaluated 2026-06-18.

Conditions:
Retinoblastoma (RB1). Also called: RETINOBLASTOMA, SOMATIC. Identifiers: Orphanet 790, MedGen C0035335, MeSH D012175, MONDO:0008380, OMIM 180200, HP:0009919. Disease mechanism: loss of function. Inheritance: Both sporadic and heritable forms are tested..

Allele frequency attached by ClinVar (database versions not stated): TOPMed 0.00001.

Submissions (2):

Myriad Genetics, Inc.
Classification: Likely benign for Retinoblastoma. Last evaluated: 2026-06-18. Review status: criteria provided, single submitter. Criteria: Myriad Autosomal Dominant, Autosomal Recessive and X-Linked Classification Criteria (2023). Collection method: clinical testing. Allele origin: unknown.
Comment: This variant is considered likely benign. This variant is intronic and is not expected to impact mRNA splicing.

Labcorp Genetics (formerly Invitae), Labcorp
Classification: Likely benign for Retinoblastoma. Last evaluated: 2021-05-18. Review status: criteria provided, single submitter. Criteria: Invitae Variant Classification Sherloc (09022015). Collection method: clinical testing. Allele origin: germline.

NM_000321.3(RB1):c.1333-7T>C

Gene: RB1 (RB transcriptional corepressor 1; plus strand). Cytogenetic location: 13q14.2.
Variant type: single nucleotide variant.
Coding change: c.1333-7T>C on transcript NM_000321.3 (MANE Select); 7 bases into the intron before coding-DNA position 1333, T replaced by C.
Molecular consequence: intron variant.
Genome position (GRCh38, 1-based): chr13:48,379,587, T>C. VCF-style: chr13-48379587-T-C. GRCh37 (hg19) VCF-style: chr13-48953723-T-C.
Identifiers: ClinVar variation 1659750 (VCV001659750.9), dbSNP rs1948513668, ClinGen allele CA2089970288.